The following is an entry in ClinVar:

ClinVar aggregate classification (germline): Uncertain significance (1 of 4 stars; one submission).

Submission:

Ambry Genetics
Classification: Uncertain significance. Last evaluated: 2025-01-01. Review status: criteria provided, single submitter. Criteria: Ambry Variant Classification Scheme 2023. Collection method: clinical testing. Allele origin: germline.
Comment: The p.I233L variant (also known as c.697A>C), located in coding exon 5 of the ATRIP gene, results from an A to C substitution at nucleotide position 697. The isoleucine at codon 233 is replaced by leucine, an amino acid with highly similar properties. This amino acid position is conserved. In addition, this alteration is predicted to be tolerated by in silico analysis. Based on the available evidence, the clinical significance of this variant remains unclear.

NM_130384.3(ATRIP):c.697A>C (p.Ile233Leu)

Genes: ATRIP (ATR interacting protein; plus strand), ATRIP-TREX1 (ATRIP-TREX1 readthrough; plus strand). Cytogenetic location: 3p21.31.
Variant type: single nucleotide variant.
Coding change: c.697A>C on transcript NM_130384.3 (MANE Select); coding-DNA position 697, A replaced by C.
Protein change: p.Ile233Leu; replaces isoleucine 233 with leucine.
Molecular consequence: missense variant. On other transcripts: non-coding transcript variant (1).
Genome position (GRCh38, 1-based): chr3:48,457,284, A>C. VCF-style: chr3-48457284-A-C. GRCh37 (hg19) VCF-style: chr3-48498684-A-C.
Other names: c.316A>C, p.Ile106Leu (NM_001271022.2); c.418A>C, p.Ile140Leu (NM_001271023.2); c.697A>C, p.Ile233Leu (NM_032166.4); short protein forms I140L, I106L, I233L.
Identifiers: ClinVar variation 3809434 (VCV003809434.1).
Genomic context (GRCh38, chr3:48,457,284, plus strand): 5'-ATCATTACTTTGCTTTCATAGTTAACTTTTTCCAGTCCTAGGAAAAACCCTTCTGTGGTT[A>C]TAAAGCCAGAAGCATGTTCTCCACAATTTGGAAAAACATCTTTTCCTACAAAGGAGTCTT-3'
Protein context (NP_569055.1, residues 223-243): VSPRKNPSVV[Ile233Leu]KPEACSPQFG